The following is an entry in ClinVar:

NM_153252.5(BRWD3):c.2261G>C (p.Gly754Ala)

Gene: BRWD3 (bromodomain and WD repeat domain containing 3; minus strand). Cytogenetic location: Xq21.1.
Variant type: single nucleotide variant.
Coding change: c.2261G>C on transcript NM_153252.5 (MANE Select); coding-DNA position 2261, G replaced by C.
Protein change: p.Gly754Ala; replaces glycine 754 with alanine.
Molecular consequence: missense variant.
Genome position (GRCh38, 1-based): chrX:80,716,221, C>G on the plus strand (G>C on the coding strand, the complement: BRWD3 is on the minus strand). VCF-style: chrX-80716221-C-G. GRCh37 (hg19) VCF-style: chrX-79971720-C-G.
Other names: short protein forms G754A.
Identifiers: ClinVar variation 2170165 (VCV002170165.4), dbSNP rs923550867, ClinGen allele CA331111431.

ClinVar aggregate classification (germline): Uncertain significance (1 of 4 stars; one submission).

Allele frequency attached by ClinVar (database versions not stated): gnomAD exomes 0.00001.
gnomAD v4.1: 11 of 1,209,673 alleles (0.00091%); highest among the groups gnomAD compares: Non-Finnish European, 0.0012%; no homozygotes.

Submission:

Labcorp Genetics (formerly Invitae), Labcorp
Classification: Uncertain significance. Last evaluated: 2025-04-14. Review status: criteria provided, single submitter. Criteria: Invitae Variant Classification Sherloc (09022015). Collection method: clinical testing. Allele origin: germline.
Comment: This sequence change replaces glycine, which is neutral and non-polar, with alanine, which is neutral and non-polar, at codon 754 of the BRWD3 protein (p.Gly754Ala). This variant is present in population databases (no rsID available, gnomAD 0.001%), including at least one homozygous and/or hemizygous individual. This variant has not been reported in the literature in individuals affected with BRWD3-related conditions. ClinVar contains an entry for this variant (Variation ID: 2170165). Invitae Evidence Modeling of protein sequence and biophysical properties (such as structural, functional, and spatial information, amino acid conservation, physicochemical variation, residue mobility, and thermodynamic stability) indicates that this missense variant is not expected to disrupt BRWD3 protein function with a negative predictive value of 80%. In summary, the available evidence is currently insufficient to determine the role of this variant in disease. Therefore, it has been classified as a Variant of Uncertain Significance.